The following is an entry in ClinVar:

ClinVar aggregate classification (germline): Uncertain significance (1 of 4 stars; one submission).

Conditions:
PROK2-related disorder. Also called: PROK2-related condition.

gnomAD v4.1: 6 of 1,551,374 alleles (0.00039%); highest among the groups gnomAD compares: African/African-American, 0.0027%; no homozygotes.

Submission:

PreventionGenetics, part of Exact Sciences
Classification: Uncertain significance for PROK2-related condition. Last evaluated: 2026-07-28. Review status: criteria provided, single submitter. Criteria: ACMG Guidelines, 2015. Collection method: clinical testing. Allele origin: germline.
Comment: The PROK2 c.253A>G variant is predicted to result in the amino acid substitution p.Arg85Gly. To our knowledge, this variant has not been reported in the literature. This variant is reported in 0.0065% of alleles in individuals of European (Non-Finnish) descent in gnomAD. At this time, the clinical significance of this variant is uncertain due to the absence of conclusive functional and genetic evidence.

NM_001126128.2(PROK2):c.253A>G (p.Arg85Gly)

Gene: PROK2 (prokineticin 2; minus strand). Cytogenetic location: 3p13.
Variant type: single nucleotide variant.
Coding change: c.253A>G on transcript NM_001126128.2 (MANE Select); coding-DNA position 253, A replaced by G.
Protein change: p.Arg85Gly; replaces arginine 85 with glycine.
Molecular consequence: missense variant. On other transcripts: intron variant (1).
Genome position (GRCh38, 1-based): chr3:71,774,477, T>C on the plus strand (A>G on the coding strand, the complement: PROK2 is on the minus strand). VCF-style: chr3-71774477-T-C. GRCh37 (hg19) VCF-style: chr3-71823628-T-C.
Other names: c.223-1649A>G (NM_021935.4); short protein forms R85G.
Identifiers: ClinVar variation 4977059 (VCV004977059.1).